The following is an entry in ClinVar:

ClinVar aggregate classification (germline): Pathogenic (1 of 4 stars; one submission).

Conditions:
Spermatogenic failure 43. Identifiers: MedGen C5231490, MONDO:0032898, OMIM 618751.

Submission:

Juno Genomics, Hangzhou Juno Genomics, Inc
Classification: Pathogenic for Spermatogenic failure 43. Review status: criteria provided, single submitter. Criteria: ACMG Guidelines, 2015. Collection method: clinical testing. Allele origin: germline.
Comment: Absent from controls (or at extremely low frequency if recessive) in Genome Aggregation Database.;Null variant in a gene where loss of function (LOF) is a known mechanism of disease.;For recessive disorders, detected in trans with a pathogenic variant.;Patient's phenotype or family history is highly specific for a disease with a single genetic etiology.

NM_024867.4(SPEF2):c.2203C>T (p.Gln735Ter)

Gene: SPEF2 (sperm flagellar and cilia associated 2; plus strand). Cytogenetic location: 5p13.2.
Variant type: single nucleotide variant.
Coding change: c.2203C>T on transcript NM_024867.4 (MANE Select); coding-DNA position 2203, C replaced by T.
Protein change: p.Gln735Ter; replaces glutamine 735 with a stop codon.
Molecular consequence: nonsense.
Genome position (GRCh38, 1-based): chr5:35,700,557, C>T. VCF-style: chr5-35700557-C-T. GRCh37 (hg19) VCF-style: chr5-35700659-C-T.
Other names: short protein forms Q735*.
Identifiers: ClinVar variation 3382335 (VCV003382335.4).